The following is an entry in ClinVar:

ClinVar aggregate classification (germline): Uncertain significance (1 of 4 stars; one submission).

Conditions:
Cornelia de Lange syndrome 5 (CDLS5). Also called: HDAC8-Related Cornelia de Lange Syndrome. Identifiers: Orphanet 199, MedGen C3550903, MONDO:0010471, OMIM 300882.

Submission:

Clinical Genomics Laboratory, Stanford Medicine
Classification: Uncertain significance for Cornelia de Lange syndrome 5. Last evaluated: 2022-12-13. Review status: criteria provided, single submitter. Criteria: ACMG Guidelines, 2015. Collection method: clinical testing. Allele origin: de novo. Affected: yes. Observed: 1 variant allele, 1 heterozygote.
Comment: This variant was absent from large population databases, including the Genome Aggregation Database. Computational tools predict that this variant is deleterious; however, the accuracy of in silico algorithms is limited. These data were assessed using the ACMG/AMP variant interpretation guidelines. In summary, the significance of the p.Cys102Arg variant is uncertain; however, there is suspicion that this variant could be associated with Cornelia de Lange syndrome due to the identification of this variant de novo in an individual with features consistent with Cornelia de Lange syndrome. Additional information is needed to resolve the significance of this variant. [ACMG evidence codes used: PS2_Moderate; PM2; PP3]

NM_018486.3(HDAC8):c.304T>C (p.Cys102Arg)

Gene: HDAC8 (histone deacetylase 8; minus strand). Cytogenetic location: Xq13.1.
Variant type: single nucleotide variant.
Coding change: c.304T>C on transcript NM_018486.3 (MANE Select); coding-DNA position 304, T replaced by C.
Protein change: p.Cys102Arg; replaces cysteine 102 with arginine.
Molecular consequence: missense variant. On other transcripts: non-coding transcript variant (4), intron variant (3).
Genome position (GRCh38, 1-based): chrX:72,568,022, A>G on the plus strand (T>C on the coding strand, the complement: HDAC8 is on the minus strand). VCF-style: chrX-72568022-A-G. GRCh37 (hg19) VCF-style: chrX-71787872-A-G.
Other names: c.304T>C, p.Cys102Arg (NM_001166419.2, NM_001166420.2, NM_001166422.2 and 5 more transcripts); c.164+4035T>C (NM_001166418.2, NM_001410728.1, NM_001166448.2); short protein forms C102R.
Identifiers: ClinVar variation 4852807 (VCV004852807.1).